The following is an entry in ClinVar:

ClinVar aggregate classification (germline): Uncertain significance. Review status: criteria provided, multiple submitters, no conflicts (2 of 4 stars). 2 submissions from 2 submitters: Uncertain significance (2). Last evaluated 2025-06-09.

Conditions:
Cardiovascular phenotype. Identifiers: MedGen CN230736.
Brugada syndrome. Also called: Sudden Unexplained Death Syndrome; Sudden Unexplained Nocturnal Death Syndrome (SUNDS); Sudden unexpected nocturnal death syndrome; Sudden unexplained nocturnal death syndrome. Identifiers: Orphanet 130, MedGen C1142166, MONDO:0015263.

Submissions (2):

Labcorp Genetics (formerly Invitae), Labcorp
Classification: Uncertain significance for Brugada syndrome. Last evaluated: 2025-06-09. Review status: criteria provided, single submitter. Criteria: Invitae Variant Classification Sherloc (09022015). Collection method: clinical testing. Allele origin: germline.
Comment: This sequence change replaces aspartic acid, which is acidic and polar, with glycine, which is neutral and non-polar, at codon 1479 of the SCN10A protein (p.Asp1479Gly). This variant is not present in population databases (gnomAD no frequency). This variant has not been reported in the literature in individuals affected with SCN10A-related conditions. ClinVar contains an entry for this variant (Variation ID: 3438175). Invitae Evidence Modeling of protein sequence and biophysical properties (such as structural, functional, and spatial information, amino acid conservation, physicochemical variation, residue mobility, and thermodynamic stability) indicates that this missense variant is expected to disrupt SCN10A protein function with a positive predictive value of 80%. In summary, the available evidence is currently insufficient to determine the role of this variant in disease. Therefore, it has been classified as a Variant of Uncertain Significance.

Ambry Genetics
Classification: Uncertain significance for Cardiovascular phenotype. Last evaluated: 2024-11-25. Review status: criteria provided, single submitter. Criteria: Ambry Variant Classification Scheme 2023. Collection method: clinical testing. Allele origin: germline.

NM_006514.4(SCN10A):c.4436A>G (p.Asp1479Gly)

Gene: SCN10A (sodium voltage-gated channel alpha subunit 10; minus strand). Cytogenetic location: 3p22.2.
Variant type: single nucleotide variant.
Coding change: c.4436A>G on transcript NM_006514.4 (MANE Select); coding-DNA position 4436, A replaced by G.
Protein change: p.Asp1479Gly; replaces aspartic acid 1479 with glycine.
Molecular consequence: missense variant.
Genome position (GRCh38, 1-based): chr3:38,702,060, T>C on the plus strand (A>G on the coding strand, the complement: SCN10A is on the minus strand). VCF-style: chr3-38702060-T-C. GRCh37 (hg19) VCF-style: chr3-38743551-T-C.
Other names: c.4433A>G, p.Asp1478Gly (NM_001293306.2); c.4142A>G, p.Asp1381Gly (NM_001293307.2); short protein forms D1479G, D1381G, D1478G.
Identifiers: ClinVar variation 3438175 (VCV003438175.2).